The following is an entry in ClinVar:

NC_000002.12:g.(?_32063812)_(32154516_?)del

Genes: SPAST (spastin; plus strand), LOC129933455 (ATAC-STARR-seq lymphoblastoid silent region 11339; plus strand). Cytogenetic location: 2p22.3.
Variant type: Deletion.
Identifiers: ClinVar variation 468557 (VCV000468557.1).

ClinVar aggregate classification (germline): Pathogenic (1 of 4 stars; one submission).

Conditions:
Hereditary spastic paraplegia 4. Also called: Spastic paraplegia 4, autosomal dominant; Familial spastic paraplegia autosomal dominant 2; Spastic Paraplegia 4. Identifiers: Orphanet 100985, MedGen C1866855, MONDO:0008438, OMIM 182601.

Submission:

Labcorp Genetics (formerly Invitae), Labcorp
Classification: Pathogenic for Spastic paraplegia 4, autosomal dominant. Last evaluated: 2018-05-18. Review status: criteria provided, single submitter. Criteria: Invitae Variant Classification Sherloc (09022015). Collection method: clinical testing. Allele origin: germline.
Comment: A gross deletion of the genomic region encompassing the full coding sequence of the SPAST gene has been identified. The boundaries of this event are unknown as the deletion extends beyond the assayed region for this gene and therefore may encompass additional genes. Loss-of-function variants in SPAST are known to be pathogenic (PMID: 20932283). This particular gene deletion has been reported in the literature in multiple individuals and families affected with hereditary spastic paraplegia (PMID:Â¬â€ 17098887, 25421405). For these reasons, this variant has been classified as Pathogenic.